The following is an entry in ClinVar:

ClinVar aggregate classification (germline): Uncertain significance (1 of 4 stars; one submission).

Allele frequency attached by ClinVar (database versions not stated): gnomAD exomes below 0.00001; TOPMed below 0.00001; ESP Exome Variant Server 0.00008.
gnomAD v4.1: 2 of 1,614,112 alleles (0.00012%); highest among the groups gnomAD compares: Non-Finnish European, 0.000085%; no homozygotes.

Submission:

Labcorp Genetics (formerly Invitae), Labcorp
Classification: Uncertain significance. Last evaluated: 2023-11-01. Review status: criteria provided, single submitter. Criteria: Invitae Variant Classification Sherloc (09022015). Collection method: clinical testing. Allele origin: germline.
Comment: This sequence change replaces proline, which is neutral and non-polar, with arginine, which is basic and polar, at codon 1148 of the KANK1 protein (p.Pro1148Arg). This variant is not present in population databases (gnomAD no frequency). This variant has not been reported in the literature in individuals affected with KANK1-related conditions. ClinVar contains an entry for this variant (Variation ID: 1940661). Advanced modeling of protein sequence and biophysical properties (such as structural, functional, and spatial information, amino acid conservation, physicochemical variation, residue mobility, and thermodynamic stability) performed at Invitae indicates that this missense variant is expected to disrupt KANK1 protein function with a positive predictive value of 80%. In summary, the available evidence is currently insufficient to determine the role of this variant in disease. Therefore, it has been classified as a Variant of Uncertain Significance.

NM_015158.5(KANK1):c.3443C>G (p.Pro1148Arg)

Genes: KANK1 (KN motif and ankyrin repeat domains 1; plus strand), LOC126860554 (MED14-independent group 3 enhancer GRCh37_chr9:737889-739088; plus strand). Cytogenetic location: 9p24.3.
Variant type: single nucleotide variant.
Coding change: c.3443C>G on transcript NM_015158.5 (MANE Select); coding-DNA position 3443, C replaced by G.
Protein change: p.Pro1148Arg; replaces proline 1148 with arginine.
Molecular consequence: missense variant. On other transcripts: non-coding transcript variant (1).
Genome position (GRCh38, 1-based): chr9:738,394, C>G. VCF-style: chr9-738394-C-G. GRCh37 (hg19) VCF-style: chr9-738394-C-G.
Other names: c.3443C>G, p.Pro1148Arg (NM_001256876.3, NM_001256877.3, NM_001354334.2); c.3203C>G, p.Pro1068Arg (NM_001354331.2); c.3389C>G, p.Pro1130Arg (NM_001354332.2); c.2969C>G, p.Pro990Arg (NM_001354333.2, NM_001354335.2, NM_001354337.2 and 2 more transcripts); c.2675C>G, p.Pro892Arg (NM_001354336.2); c.2915C>G, p.Pro972Arg (NM_001354338.2, NM_001354340.2, NM_001354344.2); c.2729C>G, p.Pro910Arg (NM_001354339.2, NM_001354342.2, NM_001354343.2); short protein forms P1130R, P910R, P990R, P1148R, P892R, P972R, P1068R.
Identifiers: ClinVar variation 1940661 (VCV001940661.5), dbSNP rs373732675, ClinGen allele CA187796401.
Genomic context (GRCh38, chr9:738,394, plus strand): 5'-AGAAGTCAGCCATTCCAGCCATGGTGGGGGACTACATAGCTGCTTTTGAGGCCATTTCCC[C>G]AGATGTCCTCCGCTATGTCATCAACTTGGCAGACGGCAACGGCAACACAGCCCTCCATTA-3'
Protein context (NP_055973.2, residues 1138-1158): DYIAAFEAIS[Pro1148Arg]DVLRYVINLA